The following is an entry in ClinVar:

NM_005739.4(RASGRP1):c.2322G>A (p.Lys774=)

Gene: RASGRP1 (RAS guanyl releasing protein 1; minus strand). Cytogenetic location: 15q14.
Variant type: single nucleotide variant.
Coding change: c.2322G>A on transcript NM_005739.4 (MANE Select); coding-DNA position 2322, G replaced by A.
Protein change: p.Lys774=; no amino-acid change (lysine 774 retained).
Molecular consequence: synonymous variant. On other transcripts: 3 prime UTR variant (1).
Genome position (GRCh38, 1-based): chr15:38,490,626, C>T on the plus strand (G>A on the coding strand, the complement: RASGRP1 is on the minus strand). VCF-style: chr15-38490626-C-T. GRCh37 (hg19) VCF-style: chr15-38782827-C-T.
Other names: c.2217G>A, p.Lys739= (NM_001128602.2); c.*37G>A (NM_001306086.2).
Identifiers: ClinVar variation 3689100 (VCV003689100.2).

ClinVar aggregate classification (germline): Uncertain significance (1 of 4 stars; one submission).

Submission:

Labcorp Genetics (formerly Invitae), Labcorp
Classification: Uncertain significance. Last evaluated: 2024-10-17. Review status: criteria provided, single submitter. Criteria: Invitae Variant Classification Sherloc (09022015). Collection method: clinical testing. Allele origin: germline.
Comment: This sequence change affects codon 774 of the RASGRP1 mRNA. It is a 'silent' change, meaning that it does not change the encoded amino acid sequence of the RASGRP1 protein. This variant is not present in population databases (gnomAD no frequency). This variant has not been reported in the literature in individuals affected with RASGRP1-related conditions. Algorithms developed to predict the effect of sequence changes on RNA splicing suggest that this variant may disrupt the consensus splice site. In summary, the available evidence is currently insufficient to determine the role of this variant in disease. Therefore, it has been classified as a Variant of Uncertain Significance.